The following is an entry in ClinVar:

ClinVar aggregate classification (germline): Uncertain significance (1 of 4 stars; one submission).

gnomAD v4.1: 19 of 1,609,204 alleles (0.0012%); highest among the groups gnomAD compares: African/African-American, 0.0053%; no homozygotes.

Submission:

Labcorp Genetics (formerly Invitae), Labcorp
Classification: Uncertain significance. Last evaluated: 2025-08-10. Review status: criteria provided, single submitter. Criteria: Invitae Variant Classification Sherloc (09022015). Collection method: clinical testing. Allele origin: germline.
Comment: This sequence change replaces arginine, which is basic and polar, with glutamine, which is neutral and polar, at codon 1610 of the PCLO protein (p.Arg1610Gln). This variant is not present in population databases (gnomAD no frequency). This variant has not been reported in the literature in individuals affected with PCLO-related conditions. Experimental studies and prediction algorithms are not available or were not evaluated, and the functional significance of this variant is currently unknown. In summary, the available evidence is currently insufficient to determine the role of this variant in disease. Therefore, it has been classified as a Variant of Uncertain Significance.

NM_033026.6(PCLO):c.4829G>A (p.Arg1610Gln)

Gene: PCLO (piccolo presynaptic cytomatrix protein; minus strand). Cytogenetic location: 7q21.11.
Variant type: single nucleotide variant.
Coding change: c.4829G>A on transcript NM_033026.6 (MANE Select); coding-DNA position 4829, G replaced by A.
Protein change: p.Arg1610Gln; replaces arginine 1610 with glutamine.
Molecular consequence: missense variant.
Genome position (GRCh38, 1-based): chr7:82,956,124, C>T on the plus strand (G>A on the coding strand, the complement: PCLO is on the minus strand). VCF-style: chr7-82956124-C-T. GRCh37 (hg19) VCF-style: chr7-82585440-C-T.
Other names: c.4829G>A, p.Arg1610Gln (NM_014510.3); short protein forms R1610Q.
Identifiers: ClinVar variation 4746189 (VCV004746189.1).